The following is an entry in ClinVar:

NM_004415.4(DSP):c.3759T>G (p.Ile1253Met)

Gene: DSP (desmoplakin; plus strand). Cytogenetic location: 6p24.3.
Variant type: single nucleotide variant.
Coding change: c.3759T>G on transcript NM_004415.4 (MANE Select); coding-DNA position 3759, T replaced by G.
Protein change: p.Ile1253Met; replaces isoleucine 1253 with methionine.
Molecular consequence: missense variant. On other transcripts: intron variant (1).
Genome position (GRCh38, 1-based): chr6:7,579,949, T>G. VCF-style: chr6-7579949-T-G. GRCh37 (hg19) VCF-style: chr6-7580182-T-G.
Other names: c.3759T>G, p.Ile1253Met (NM_001319034.2); c.3582+177T>G (NM_001008844.3); short protein forms I1253M.
Identifiers: ClinVar variation 1171911 (VCV001171911.3), dbSNP rs1196416496, ClinGen allele CA362684796.

ClinVar aggregate classification (germline): Uncertain significance (1 of 4 stars; one submission).

Conditions:
Cardiomyopathy (CMYO). Also called: Cardiomyopathies. Identifiers: Orphanet 167848, MedGen C0878544, MONDO:0004994, HP:0001638. Inheritance: Various modes of inheritance.

Allele frequency attached by ClinVar (database versions not stated): gnomAD exomes below 0.00001.
gnomAD v4.1: 3 of 1,614,140 alleles (0.00019%); highest among the groups gnomAD compares: South Asian, 0.0011%; no homozygotes.

Submission:

Color Diagnostics, LLC DBA Color Health
Classification: Uncertain significance for Cardiomyopathy. Last evaluated: 2024-03-06. Review status: criteria provided, single submitter. Criteria: ACMG Guidelines, 2015. Collection method: clinical testing. Allele origin: germline.
Comment: This missense variant replaces isoleucine with methionine at codon 1253 of the DSP protein. Computational prediction suggests that this variant may not impact protein structure and function (internally defined REVEL score threshold <= 0.5, PMID: 27666373). To our knowledge, functional studies have not been reported for this variant. This variant has not been reported in individuals affected with cardiovascular disorders in the literature. This variant has been identified in 1/250740 chromosomes in the general population by the Genome Aggregation Database (gnomAD). The available evidence is insufficient to determine the role of this variant in disease conclusively. Therefore, this variant is classified as a Variant of Uncertain Significance.